The following is an entry in ClinVar:

ClinVar aggregate classification (germline): Conflicting classifications of pathogenicity. Review status: criteria provided, conflicting classifications (1 of 4 stars). 2 submissions from 2 submitters: Uncertain significance (1); Likely benign (1). Last evaluated 2024-11-21.

Conditions:
Inborn genetic diseases. Identifiers: MedGen C0950123, MeSH D030342.
RP1L1-related disorder. Also called: RP1L1-related condition.

Allele frequency attached by ClinVar (database versions not stated): ESP Exome Variant Server 0.00008; gnomAD 0.00022; TOPMed 0.00026; 1000 Genomes Project 30x 0.00031; 1000 Genomes Project 0.00040.
gnomAD v4.1: 70 of 1,613,840 alleles (0.0043%); highest among the groups gnomAD compares: African/African-American, 0.071%; no homozygotes.

Submissions (2):

PreventionGenetics, part of Exact Sciences
Classification: Uncertain significance for RP1L1-related condition. Last evaluated: 2024-11-21. Review status: criteria provided, single submitter. Criteria: ACMG Guidelines, 2015. Collection method: clinical testing. Allele origin: germline.
Comment: The RP1L1 c.5042G>C variant is predicted to result in the amino acid substitution p.Gly1681Ala. To our knowledge, this variant has not been reported in the literature. This variant is reported in 0.070% of alleles in individuals of African descent in gnomAD. Although we suspect that this variant may be benign, at this time, the clinical significance of this variant is uncertain due to the absence of conclusive functional and genetic evidence.

Ambry Genetics
Classification: Likely benign for Inborn genetic diseases. Last evaluated: 2023-09-25. Review status: criteria provided, single submitter. Criteria: Ambry Variant Classification Scheme 2023. Collection method: clinical testing. Allele origin: germline.

NM_178857.6(RP1L1):c.5042G>C (p.Gly1681Ala)

Gene: RP1L1 (RP1 like 1). Cytogenetic location: 8p23.1.
Variant type: single nucleotide variant.
Coding change: c.5042G>C on transcript NM_178857.6 (MANE Select); coding-DNA position 5042, G replaced by C.
Protein change: p.Gly1681Ala; replaces glycine 1681 with alanine.
Molecular consequence: missense variant.
Genome position (GRCh38, 1-based): chr8:10,609,056, C>G on the plus strand (G>C on the coding strand, the complement: RP1L1 is on the minus strand). VCF-style: chr8-10609056-C-G. GRCh37 (hg19) VCF-style: chr8-10466566-C-G.
Other names: short protein forms G1681A.
Identifiers: ClinVar variation 3155856 (VCV003155856.2), dbSNP rs189668916, ClinGen allele CA4623780.
Genomic context (GRCh38, chr8:10,609,056, plus strand): 5'-GTGTGTTCTCCCCTCTTCCTCTGCAGAATCTGCTGCAGGTCAAAGGCCTCTTTGATGGGA[C>G]CTCTGGTTGCCCCCATTGTGGCCTTGGGGGACATAGGGCTCACTTTCTTCCTCACGCAGG-3'
Protein context (NP_849188.4, residues 1671-1691): SPKATMGATR[Gly1681Ala]PIKEAFDLQQ